The following is an entry in ClinVar:

ClinVar aggregate classification (germline): Uncertain significance (1 of 4 stars; one submission).

Conditions:
Nephronophthisis. Also called: Juvenile Nephronophthisis. Identifiers: Orphanet 655, MedGen C0687120, MONDO:0019005, HP:0000090.

Submission:

Labcorp Genetics (formerly Invitae), Labcorp
Classification: Uncertain significance for Nephronophthisis. Last evaluated: 2023-10-11. Review status: criteria provided, single submitter. Criteria: Invitae Variant Classification Sherloc (09022015). Collection method: clinical testing. Allele origin: germline.
Comment: This sequence change replaces proline, which is neutral and non-polar, with arginine, which is basic and polar, at codon 258 of the INVS protein (p.Pro258Arg). This variant is not present in population databases (gnomAD no frequency). This variant has not been reported in the literature in individuals affected with INVS-related conditions. An algorithm developed to predict the effect of missense changes on protein structure and function (PolyPhen-2) suggests that this variant is likely to be disruptive. In summary, the available evidence is currently insufficient to determine the role of this variant in disease. Therefore, it has been classified as a Variant of Uncertain Significance.

NM_014425.5(INVS):c.773C>G (p.Pro258Arg)

Gene: INVS (inversin; plus strand). Cytogenetic location: 9q31.1.
Variant type: single nucleotide variant.
Coding change: c.773C>G on transcript NM_014425.5 (MANE Select); coding-DNA position 773, C replaced by G.
Protein change: p.Pro258Arg; replaces proline 258 with arginine.
Molecular consequence: missense variant. On other transcripts: 5 prime UTR variant (1), non-coding transcript variant (1).
Genome position (GRCh38, 1-based): chr9:100,240,217, C>G. VCF-style: chr9-100240217-C-G. GRCh37 (hg19) VCF-style: chr9-103002499-C-G.
Other names: c.485C>G, p.Pro162Arg (NM_001318381.2); c.-217C>G (NM_001318382.2); short protein forms P258R, P162R.
Identifiers: ClinVar variation 2762396 (VCV002762396.3), dbSNP rs2491236664, ClinGen allele CA374361801.
Genomic context (GRCh38, chr9:100,240,217, plus strand): 5'-ATGTCTTGACCTCATATGAAAGCTGCAATATAACGTCTTATGATAACTTATTTCGAACCC[C>G]ACTGCACTGGGCAGCTTTATTAGGTACGTGACTCAAAGGATCAACAGTAAAAGGAACTTC-3'
Protein context (NP_055240.2, residues 248-268): ITSYDNLFRT[Pro258Arg]LHWAALLGHA